The following is an entry in ClinVar:

ClinVar aggregate classification (germline): Likely benign. Review status: criteria provided, multiple submitters, no conflicts (2 of 4 stars). 3 submissions from 3 submitters: Likely benign (2). 1 of the submissions does not count toward it. Last evaluated 2025-12-15.

Conditions:
HNRNPU-related disorder. Also called: HNRNPU-related condition.
Developmental and epileptic encephalopathy, 54. Also called: Epileptic encephalopathy, early infantile, 54; HNRNPU-Related Neurodevelopmental Disorder. Identifiers: MedGen C4479319, MONDO:0033363, OMIM 617391.

Allele frequency attached by ClinVar (database versions not stated): gnomAD 0.00003 and 0.00004; TOPMed 0.00003; ExAC 0.00006; 1000 Genomes Project 0.00020; gnomAD exomes 0.00006; ESP Exome Variant Server 0.00008; 1000 Genomes Project 30x 0.00016.
gnomAD v4.1: 63 of 1,566,688 alleles (0.004%); highest among the groups gnomAD compares: Middle Eastern, 0.034%; no homozygotes.

Submissions (3):

Labcorp Genetics (formerly Invitae), Labcorp
Classification: Likely benign for Developmental and epileptic encephalopathy, 54. Last evaluated: 2025-12-15. Review status: criteria provided, single submitter. Criteria: Invitae Variant Classification Sherloc (09022015). Collection method: clinical testing. Allele origin: germline.

GeneDx
Classification: Likely benign. Last evaluated: 2020-03-06. Review status: criteria provided, single submitter. Criteria: GeneDx Variant Classification Process June 2021. Collection method: clinical testing. Allele origin: germline. Affected: yes.

PreventionGenetics, part of Exact Sciences
Classification: Likely benign for HNRNPU-related condition. Last evaluated: 2021-02-11. Review status: no assertion criteria provided. Collection method: clinical testing. Allele origin: germline. Not counted in ClinVar's aggregate classification.
Comment: This variant is classified as likely benign based on ACMG/AMP sequence variant interpretation guidelines (Richards et al. 2015 PMID: 25741868, with internal and published modifications).

NM_031844.3(HNRNPU):c.875C>T (p.Thr292Ile)

Gene: HNRNPU (heterogeneous nuclear ribonucleoprotein U; minus strand). Cytogenetic location: 1q44.
Variant type: single nucleotide variant.
Coding change: c.875C>T on transcript NM_031844.3 (MANE Select); coding-DNA position 875, C replaced by T.
Protein change: p.Thr292Ile; replaces threonine 292 with isoleucine.
Molecular consequence: missense variant.
Genome position (GRCh38, 1-based): chr1:244,862,463, G>A on the plus strand (C>T on the coding strand, the complement: HNRNPU is on the minus strand). VCF-style: chr1-244862463-G-A. GRCh37 (hg19) VCF-style: chr1-245025765-G-A.
Other names: c.818C>T, p.Thr273Ile (NM_004501.3); short protein forms T292I, T273I.
Identifiers: ClinVar variation 406727 (VCV000406727.12), dbSNP rs141449330, ClinGen allele CA1486669.
Genomic context (GRCh38, chr1:244,862,463, plus strand): 5'-AAAAAAAAAAAACCACCATCACCGCATTTCATAATTGGGGAGAAACAGCTTCACTTACAA[G>A]TATCAAGACAAACCACTGTGTCATCGAAGTGTTCATCTTCTTCTTCAACAGGTGGCTGAG-3'
Protein context (NP_114032.2, residues 282-302): HFDDTVVCLD[Thr292Ile]YNCDLHFKIS